The following is an entry in ClinVar:

NM_000057.4(BLM):c.934T>G (p.Ser312Ala)

Gene: BLM (BLM RecQ like helicase; plus strand). Cytogenetic location: 15q26.1.
Variant type: single nucleotide variant.
Coding change: c.934T>G on transcript NM_000057.4 (MANE Select); coding-DNA position 934, T replaced by G.
Protein change: p.Ser312Ala; replaces serine 312 with alanine.
Molecular consequence: missense variant. On other transcripts: 5 prime UTR variant (1).
Genome position (GRCh38, 1-based): chr15:90,751,921, T>G. VCF-style: chr15-90751921-T-G. GRCh37 (hg19) VCF-style: chr15-91295151-T-G.
Other names: c.934T>G, p.Ser312Ala (NM_001287246.2, NM_001287247.2); c.-358T>G (NM_001287248.2); short protein forms S312A.
Identifiers: ClinVar variation 454170 (VCV000454170.20), dbSNP rs372454889, ClinGen allele CA7738392.

ClinVar aggregate classification (germline): Conflicting classifications of pathogenicity. Review status: criteria provided, conflicting classifications (1 of 4 stars). 7 submissions from 7 submitters: Uncertain significance (4); Likely benign (2). 1 of the submissions does not count toward it. Last evaluated 2026-01-16.

Conditions:
Hereditary cancer. Identifiers: MedGen C1333600.
Hereditary cancer-predisposing syndrome. Also called: Hereditary Cancer Syndrome; Hereditary neoplastic syndrome; Neoplastic Syndromes, Hereditary; Tumor predisposition. Identifiers: Orphanet 140162, MedGen C0027672, MeSH D009386, MONDO:0015356.
Bloom syndrome (BLM). Also called: Bloom-Torre-Machacek syndrome. Identifiers: Orphanet 125, MedGen C0005859, MONDO:0008876, OMIM 210900.

Allele frequency attached by ClinVar (database versions not stated): gnomAD exomes 0.00003 and 0.00005; gnomAD 0.00005; ExAC 0.00007; TOPMed 0.00007; ESP Exome Variant Server 0.00008.
gnomAD v4.1: 51 of 1,612,378 alleles (0.0032%); highest among the groups gnomAD compares: African/African-American, 0.015%; no homozygotes.

Submissions (7):

Labcorp Genetics (formerly Invitae), Labcorp
Classification: Uncertain significance for Bloom syndrome. Last evaluated: 2026-01-16. Review status: criteria provided, single submitter. Criteria: Invitae Variant Classification Sherloc (09022015). Collection method: clinical testing. Allele origin: germline.
Comment: This sequence change replaces serine, which is neutral and polar, with alanine, which is neutral and non-polar, at codon 312 of the BLM protein (p.Ser312Ala). This variant is present in population databases (rs372454889, gnomAD 0.01%). This variant has not been reported in the literature in individuals affected with BLM-related conditions. ClinVar contains an entry for this variant (Variation ID: 454170). Invitae Evidence Modeling of protein sequence and biophysical properties (such as structural, functional, and spatial information, amino acid conservation, physicochemical variation, residue mobility, and thermodynamic stability) indicates that this missense variant is not expected to disrupt BLM protein function with a negative predictive value of 80%. In summary, the available evidence is currently insufficient to determine the role of this variant in disease. Therefore, it has been classified as a Variant of Uncertain Significance.

Quest Diagnostics Nichols Institute San Juan Capistrano
Classification: Uncertain significance. Last evaluated: 2025-09-13. Review status: criteria provided, single submitter. Criteria: Quest Diagnostics criteria. Collection method: clinical testing. Allele origin: unknown.
Comment: The BLM c.934T>G (p.Ser312Ala) variant has been reported in at least one individual with breast cancer (PMIDs: 33606809 (2021), 35264596 (2022)). The frequency of this variant in the general population (Genome Aggregation Database) is uninformative in the assessment of its pathogenicity. Analysis of this variant using bioinformatics tools for the prediction of the effect of amino acid changes on protein structure and function yielded predictions that this variant is benign. Based on the available information, we are unable to determine the clinical significance of this variant.

GeneDx
Classification: Uncertain significance. Last evaluated: 2024-10-04. Review status: criteria provided, single submitter. Criteria: GeneDx Variant Classification Process June 2021. Collection method: clinical testing. Allele origin: germline. Affected: yes.
Comment: Not observed at significant frequency in large population cohorts (gnomAD); In silico analysis indicates that this missense variant does not alter protein structure/function; This variant is associated with the following publications: (PMID: 35264596, 33606809)

Mendelics
Classification: Likely benign for Hereditary cancer. Last evaluated: 2024-09-11. Review status: criteria provided, single submitter. Criteria: ACMG Guidelines, 2015. Collection method: clinical testing. Allele origin: unknown.
Comment: This variant is considered likely benign or benign based on one or more of the following: it is predicted to be benign by multiple in silico algorithms, and/or has population frequency not consistent with disease, and/or has normal protein function, and/or has lack of segregation with disease, and/or has been detected in co-occurrence with known pathogenic variant, and/or has lack of disease association in case-control studies, and/or is located in a region inconsistent with a known cause of pathogenicity.

ARUP Laboratories, Molecular Genetics and Genomics, ARUP Laboratories
Classification: Uncertain significance for Bloom syndrome. Last evaluated: 2024-04-19. Review status: criteria provided, single submitter. Criteria: ARUP Molecular Germline Variant Investigation Process 2024. Collection method: clinical testing. Allele origin: germline.

Ambry Genetics
Classification: Likely benign for Hereditary cancer-predisposing syndrome. Last evaluated: 2024-01-29. Review status: criteria provided, single submitter. Criteria: Ambry Variant Classification Scheme 2023. Collection method: clinical testing. Allele origin: germline.

Natera, Inc.
Classification: Uncertain significance for Bloom syndrome. Last evaluated: 2020-09-16. Review status: no assertion criteria provided. Collection method: clinical testing. Allele origin: germline. Not counted in ClinVar's aggregate classification.

Literature cited by the submitters: PubMed 33606809 (cited by Quest Diagnostics Nichols Institute San Juan Capistrano and Ambry Genetics); PubMed 35264596 (cited by Quest Diagnostics Nichols Institute San Juan Capistrano).